The following is an entry in ClinVar:

NM_000631.5(NCF4):c.586G>A (p.Val196Met)

Gene: NCF4 (neutrophil cytosolic factor 4; plus strand). Cytogenetic location: 22q12.3.
Variant type: single nucleotide variant.
Coding change: c.586G>A on transcript NM_000631.5 (MANE Select); coding-DNA position 586, G replaced by A.
Protein change: p.Val196Met; replaces valine 196 with methionine.
Molecular consequence: missense variant.
Genome position (GRCh38, 1-based): chr22:36,872,384, G>A. VCF-style: chr22-36872384-G-A. GRCh37 (hg19) VCF-style: chr22-37268426-G-A.
Other names: c.586G>A, p.Val196Met (NM_013416.4); short protein forms V196M.
Identifiers: ClinVar variation 1427252 (VCV001427252.6), dbSNP rs753529855, ClinGen allele CA411385842.

ClinVar aggregate classification (germline): Uncertain significance (1 of 4 stars; one submission).

Conditions:
Granulomatous disease, chronic, autosomal recessive, cytochrome b-positive, type 3. Also called: GRANULOMATOUS DISEASE, CHRONIC, AUTOSOMAL RECESSIVE, 3; CGD, AUTOSOMAL RECESSIVE CYTOCHROME b-POSITIVE, TYPE III; GRANULOMATOUS DISEASE, CHRONIC, DUE TO NCF4 DEFICIENCY; Granulomatous disease, chronic, autosomal recessive, cytochrome b-positive, type III. Identifiers: Orphanet 379, MedGen C3151409, MONDO:0013507, OMIM 613960.

Submission:

Labcorp Genetics (formerly Invitae), Labcorp
Classification: Uncertain significance for Granulomatous disease, chronic, autosomal recessive, cytochrome b-positive, type 3. Last evaluated: 2022-12-06. Review status: criteria provided, single submitter. Criteria: Invitae Variant Classification Sherloc (09022015). Collection method: clinical testing. Allele origin: germline.
Comment: This variant is not present in population databases (gnomAD no frequency). This sequence change replaces valine, which is neutral and non-polar, with methionine, which is neutral and non-polar, at codon 196 of the NCF4 protein (p.Val196Met). This variant has not been reported in the literature in individuals affected with NCF4-related conditions. In summary, the available evidence is currently insufficient to determine the role of this variant in disease. Therefore, it has been classified as a Variant of Uncertain Significance. Algorithms developed to predict the effect of missense changes on protein structure and function output the following: SIFT: "Deleterious"; PolyPhen-2: "Benign"; Align-GVGD: "Class C0". The methionine amino acid residue is found in multiple mammalian species, which suggests that this missense change does not adversely affect protein function. ClinVar contains an entry for this variant (Variation ID: 1427252).